The following is an entry in ClinVar:

NM_024675.4(PALB2):c.2661C>A (p.Ile887=)

Gene: PALB2 (partner and localizer of BRCA2; minus strand). Cytogenetic location: 16p12.2.
Variant type: single nucleotide variant.
Coding change: c.2661C>A on transcript NM_024675.4 (MANE Select); coding-DNA position 2661, C replaced by A.
Protein change: p.Ile887=; no amino-acid change (isoleucine 887 retained).
Molecular consequence: synonymous variant.
Genome position (GRCh38, 1-based): chr16:23,626,323, G>T on the plus strand (C>A on the coding strand, the complement: PALB2 is on the minus strand). VCF-style: chr16-23626323-G-T. GRCh37 (hg19) VCF-style: chr16-23637644-G-T.
Identifiers: ClinVar variation 126671 (VCV000126671.3), dbSNP rs180177120, ClinGen allele CA269554.
Genomic context (GRCh38, chr16:23,626,323, plus strand): 5'-TTCCCACTGCCAAGCATCCAGAGCTTTCCAAAGAGAAACTACATCTTCGCAAGCAGTTAT[G>T]ATACATGGCTCTTTACAACCGGCTCTTTCCCAAAACATGGCACTCACATCTACGGAACAG-3'
Protein context (NP_078951.2, residues 877-897): WERAGCKEPC[Ile887=]ITACEDVVSL

ClinVar aggregate classification (germline): Likely benign (0 of 4 stars; one submission).

Conditions:
Familial cancer of breast. Also called: BREAST CANCER, FAMILIAL; hereditary breast carcinoma; Hereditary breast cancer. Identifiers: Orphanet 227535, MedGen C0346153, MONDO:0016419, OMIM 114480. Disease mechanism: loss of function.

Submission:

Leiden Open Variation Database
Classification: Likely benign for Familial cancer of breast. Last evaluated: 2019-05-13. Review status: no assertion criteria provided. Collection method: curation. Allele origin: germline. Affected: yes.
Comment: Curators: Marc Tischkowitz, Arleen D. Auerbach. Submitter to LOVD: Marc Tischkowitz.

Literature cited by the submitters: PubMed 20091115.